The following is an entry in ClinVar:

NM_001128178.3(NPHP1):c.872G>A (p.Arg291Gln)

Gene: NPHP1 (nephrocystin 1; minus strand). Cytogenetic location: 2q13.
Variant type: single nucleotide variant.
Coding change: c.872G>A on transcript NM_001128178.3 (MANE Select); coding-DNA position 872, G replaced by A.
Protein change: p.Arg291Gln; replaces arginine 291 with glutamine.
Molecular consequence: missense variant.
Genome position (GRCh38, 1-based): chr2:110,161,685, C>T on the plus strand (G>A on the coding strand, the complement: NPHP1 is on the minus strand). VCF-style: chr2-110161685-C-T. GRCh37 (hg19) VCF-style: chr2-110919262-C-T.
Other names: c.1040G>A, p.Arg347Gln (NM_000272.5); c.683G>A, p.Arg228Gln (NM_001128179.3); c.869G>A, p.Arg290Gln (NM_001374256.1); c.872G>A, p.Arg291Gln (NM_001374257.1); c.1037G>A, p.Arg346Gln (NM_207181.4); short protein forms R228Q, R346Q, R291Q, R347Q, R290Q.
Identifiers: ClinVar variation 659174 (VCV000659174.9), dbSNP rs751387472, ClinGen allele CA1827179.

ClinVar aggregate classification (germline): Uncertain significance. Review status: criteria provided, multiple submitters, no conflicts (2 of 4 stars). 4 submissions from 4 submitters: Uncertain significance (4). Last evaluated 2026-02-25.

Conditions:
Inborn genetic diseases. Identifiers: MedGen C0950123, MeSH D030342.
Joubert syndrome with renal defect. Also called: JOUBERT SYNDROME 4. Identifiers: Orphanet 220497, MedGen C1846790, MONDO:0012308, OMIM 609583.
Nephronophthisis 1 (NPHP1). Also called: Nephronophthisis familial juvenile. Identifiers: Orphanet 655, Orphanet 93592, MedGen C1855681, MONDO:0009728, OMIM 256100.
Senior-Loken syndrome 1 (SLSN1). Also called: JUVENILE NEPHRONOPHTHISIS WITH LEBER AMAUROSIS. Identifiers: Orphanet 3156, MedGen C4551559, MONDO:0009962, OMIM 266900.
NPHP1-related disorder. Also called: NPHP1-related condition; NPHP1-related disorders.
Nephronophthisis. Also called: Juvenile Nephronophthisis. Identifiers: Orphanet 655, MedGen C0687120, MONDO:0019005, HP:0000090.

Allele frequency attached by ClinVar (database versions not stated): gnomAD 0.00002 and 0.00001; gnomAD exomes 0.00002 and 0.00001; TOPMed 0.00003; ExAC 0.00001.
gnomAD v4.1: 15 of 1,610,520 alleles (0.00093%); highest among the groups gnomAD compares: Admixed American, 0.0083%; no homozygotes.

Submissions (4):

PreventionGenetics, part of Exact Sciences
Classification: Uncertain significance for NPHP1-related condition. Last evaluated: 2026-02-25. Review status: criteria provided, single submitter. Criteria: ACMG Guidelines, 2015. Collection method: clinical testing. Allele origin: germline.
Comment: The NPHP1 c.1040G>A variant is predicted to result in the amino acid substitution p.Arg347Gln. To our knowledge, this variant has not been reported in the literature. This variant is reported in 0.022% of alleles in individuals of East Asian descent in gnomAD. At this time, the clinical significance of this variant is uncertain due to the absence of conclusive functional and genetic evidence.

Ambry Genetics
Classification: Uncertain significance for Inborn genetic diseases. Last evaluated: 2025-12-16. Review status: criteria provided, single submitter. Criteria: Ambry Variant Classification Scheme 2023. Collection method: clinical testing. Allele origin: germline.

Labcorp Genetics (formerly Invitae), Labcorp
Classification: Uncertain significance for Nephronophthisis. Last evaluated: 2022-09-01. Review status: criteria provided, single submitter. Criteria: Invitae Variant Classification Sherloc (09022015). Collection method: clinical testing. Allele origin: germline.
Comment: This sequence change replaces arginine, which is basic and polar, with glutamine, which is neutral and polar, at codon 347 of the NPHP1 protein (p.Arg347Gln). This variant is present in population databases (rs751387472, gnomAD 0.02%). This variant has not been reported in the literature in individuals affected with NPHP1-related conditions. ClinVar contains an entry for this variant (Variation ID: 659174). Algorithms developed to predict the effect of missense changes on protein structure and function output the following: SIFT: "Tolerated"; PolyPhen-2: "Benign"; Align-GVGD: "Class C0". The glutamine amino acid residue is found in multiple mammalian species, which suggests that this missense change does not adversely affect protein function. In summary, the available evidence is currently insufficient to determine the role of this variant in disease. Therefore, it has been classified as a Variant of Uncertain Significance.

Fulgent Genetics
Classification: Uncertain significance for Nephronophthisis 1; Senior-Loken syndrome 1; Joubert syndrome with renal defect. Last evaluated: 2021-12-01. Review status: criteria provided, single submitter. Criteria: ACMG Guidelines, 2015. Collection method: clinical testing. Allele origin: unknown.